The following is an entry in ClinVar:

NM_024529.5(CDC73):c.1021C>T (p.Pro341Ser)

Gene: CDC73 (cell division cycle 73; plus strand). Cytogenetic location: 1q31.2.
Variant type: single nucleotide variant.
Coding change: c.1021C>T on transcript NM_024529.5 (MANE Select); coding-DNA position 1021, C replaced by T.
Protein change: p.Pro341Ser; replaces proline 341 with serine.
Molecular consequence: missense variant.
Genome position (GRCh38, 1-based): chr1:193,203,843, C>T. VCF-style: chr1-193203843-C-T. GRCh37 (hg19) VCF-style: chr1-193172973-C-T.
Other names: short protein forms P341S.
Identifiers: ClinVar variation 851741 (VCV000851741.10), dbSNP rs1572196474, ClinGen allele CA344076172.

ClinVar aggregate classification (germline): Uncertain significance. Review status: criteria provided, multiple submitters, no conflicts (2 of 4 stars). 2 submissions from 2 submitters: Uncertain significance (2). Last evaluated 2022-04-03.

Conditions:
Hereditary cancer-predisposing syndrome. Also called: Tumor predisposition; Neoplastic Syndromes, Hereditary; Hereditary neoplastic syndrome; Hereditary Cancer Syndrome. Identifiers: Orphanet 140162, MedGen C0027672, MeSH D009386, MONDO:0015356.
Parathyroid carcinoma (PRTC). Also called: Parathyroid gland carcinoma; CDC73-Related Parathyroid Carcinoma. Identifiers: Orphanet 143, MedGen C0687150, MONDO:0012004, OMIM 608266, HP:0006780.

Submissions (2):

Ambry Genetics
Classification: Uncertain significance for Hereditary cancer-predisposing syndrome. Last evaluated: 2022-04-03. Review status: criteria provided, single submitter. Criteria: Ambry Variant Classification Scheme 2023. Collection method: clinical testing. Allele origin: germline.
Comment: The p.P341S variant (also known as c.1021C>T), located in coding exon 11 of the CDC73 gene, results from a C to T substitution at nucleotide position 1021. The proline at codon 341 is replaced by serine, an amino acid with similar properties. This amino acid position is conserved. In addition, this alteration is predicted to be tolerated by in silico analysis. Since supporting evidence is limited at this time, the clinical significance of this alteration remains unclear.

Labcorp Genetics (formerly Invitae), Labcorp
Classification: Uncertain significance for Parathyroid carcinoma. Last evaluated: 2021-11-20. Review status: criteria provided, single submitter. Criteria: Invitae Variant Classification Sherloc (09022015). Collection method: clinical testing. Allele origin: germline.
Comment: In summary, the available evidence is currently insufficient to determine the role of this variant in disease. Therefore, it has been classified as a Variant of Uncertain Significance. Algorithms developed to predict the effect of missense changes on protein structure and function (SIFT, PolyPhen-2, Align-GVGD) all suggest that this variant is likely to be tolerated. ClinVar contains an entry for this variant (Variation ID: 851741). This variant has not been reported in the literature in individuals affected with CDC73-related conditions. This variant is not present in population databases (gnomAD no frequency). This sequence change replaces proline, which is neutral and non-polar, with serine, which is neutral and polar, at codon 341 of the CDC73 protein (p.Pro341Ser).